The following is an entry in ClinVar:

NM_001849.4(COL6A2):c.1872G>A (p.Glu624=)

Gene: COL6A2 (collagen type VI alpha 2 chain; plus strand). Cytogenetic location: 21q22.3.
Variant type: single nucleotide variant.
Coding change: c.1872G>A on transcript NM_001849.4 (MANE Select); coding-DNA position 1872, G replaced by A.
Protein change: p.Glu624=; no amino-acid change (glutamic acid 624 retained).
Molecular consequence: synonymous variant.
Genome position (GRCh38, 1-based): chr21:46,125,520, G>A. VCF-style: chr21-46125520-G-A. GRCh37 (hg19) VCF-style: chr21-47545434-G-A.
Other names: c.1872G>A, p.Glu624= (NM_058174.3, NM_058175.3); c.1872G>A (NM_001849.3).
Identifiers: ClinVar variation 1645390 (VCV001645390.9), dbSNP rs147566231, ClinGen allele CA321972309.

ClinVar aggregate classification (germline): Likely benign. Review status: criteria provided, single submitter (1 of 4 stars). 2 submissions from 2 submitters: Likely benign (1). 1 of the submissions does not count toward it. Last evaluated 2024-10-05.

Conditions:
Bethlem myopathy 1A. Also called: Bethlem myopathy 1; MYOPATHY, BENIGN CONGENITAL, WITH CONTRACTURES; Bethlem Muscular Dystrophy. Identifiers: Orphanet 610, MedGen CN029274, MONDO:0024530, OMIM 158810.
COL6A2-related disorder.

Allele frequency attached by ClinVar (database versions not stated): gnomAD exomes below 0.00001; gnomAD 0.00003; TOPMed 0.00003; ESP Exome Variant Server 0.00008.
gnomAD v4.1: 10 of 1,613,026 alleles (0.00062%); highest among the groups gnomAD compares: African/African-American, 0.012%; no homozygotes.

Submissions (2):

Labcorp Genetics (formerly Invitae), Labcorp
Classification: Likely benign for Bethlem myopathy 1A. Last evaluated: 2024-10-05. Review status: criteria provided, single submitter. Criteria: Invitae Variant Classification Sherloc (09022015). Collection method: clinical testing. Allele origin: germline.

PreventionGenetics, part of Exact Sciences
Classification: Likely benign for COL6A2-related condition. Last evaluated: 2024-05-15. Review status: no assertion criteria provided. Collection method: clinical testing. Allele origin: germline. Not counted in ClinVar's aggregate classification.
Comment: This variant is classified as likely benign based on ACMG/AMP sequence variant interpretation guidelines (Richards et al. 2015 PMID: 25741868, with internal and published modifications).